The following is an entry in ClinVar:

NM_002160.4(TNC):c.2951-9T>C

Gene: TNC (tenascin C; minus strand). Cytogenetic location: 9q33.1.
Variant type: single nucleotide variant.
Coding change: c.2951-9T>C on transcript NM_002160.4 (MANE Select); 9 bases into the intron before coding-DNA position 2951, T replaced by C.
Molecular consequence: intron variant.
Genome position (GRCh38, 1-based): chr9:115,073,875, A>G on the plus strand (T>C on the coding strand, the complement: TNC is on the minus strand). VCF-style: chr9-115073875-A-G. GRCh37 (hg19) VCF-style: chr9-117836154-A-G.
Other names: c.2951-9T>C (NM_001410991.1).
Identifiers: ClinVar variation 3045851 (VCV003045851.2), dbSNP rs779673228, ClinGen allele CA5208347.
Genomic context (GRCh38, chr9:115,073,875, plus strand): 5'-AGGCTGGTCTCTGCAGTTTCAGAAACCTGAAGGTCCTTGGGCGTGTCCAACTCTGGGAGG[A>G]GAACAGAGAGATGAATGCTCTTCAGGCTGCAAGACAGGGCTGCTTCTGGGGCTGAAAGTC-3'

ClinVar aggregate classification (germline): Likely benign (0 of 4 stars; one submission).

Conditions:
TNC-related disorder. Also called: TNC-related condition.

Allele frequency attached by ClinVar (database versions not stated): TOPMed 0.00003; gnomAD exomes 0.00004; ExAC 0.00007.
gnomAD v4.1: 22 of 1,605,170 alleles (0.0014%); highest among the groups gnomAD compares: Admixed American, 0.037%; no homozygotes.

Submission:

PreventionGenetics, part of Exact Sciences
Classification: Likely benign for TNC-related condition. Last evaluated: 2019-03-20. Review status: no assertion criteria provided. Collection method: clinical testing. Allele origin: germline.
Comment: This variant is classified as likely benign based on ACMG/AMP sequence variant interpretation guidelines (Richards et al. 2015 PMID: 25741868, with internal and published modifications).